The following is an entry in ClinVar:

NM_021930.6(RINT1):c.1886+4T>C

Gene: RINT1 (RAD50 interactor 1; plus strand). Cytogenetic location: 7q22.3.
Variant type: single nucleotide variant.
Coding change: c.1886+4T>C on transcript NM_021930.6 (MANE Select); 4 bases into the intron after coding-DNA position 1886, T replaced by C.
Molecular consequence: intron variant.
Genome position (GRCh38, 1-based): chr7:105,563,951, T>C. VCF-style: chr7-105563951-T-C. GRCh37 (hg19) VCF-style: chr7-105204398-T-C.
Other names: c.863+4T>C (NM_001346600.2, NM_001346603.2); c.962+4T>C (NM_001346601.2); c.1652+4T>C (NM_001346599.2).
Identifiers: ClinVar variation 1037108 (VCV001037108.6), dbSNP rs1791568180, ClinGen allele CA1731751369.
Genomic context (GRCh38, chr7:105,563,951, plus strand): 5'-AGTAGACCACGTTTTTAGAGAAGTTAAAGATGCTGCAAAATTGTATAAAAAAGAAAGGTA[T>C]GTCCTCTATGTAAGTCAGCTCTTAACACCAGTTTGGTAAAAGTTAAAGAATATGTGGTCA-3'

ClinVar aggregate classification (germline): Uncertain significance (1 of 4 stars; one submission).

Allele frequency attached by ClinVar (database versions not stated): TOPMed below 0.00001.

Submission:

Labcorp Genetics (formerly Invitae), Labcorp
Classification: Uncertain significance. Last evaluated: 2021-08-31. Review status: criteria provided, single submitter. Criteria: Invitae Variant Classification Sherloc (09022015). Collection method: clinical testing. Allele origin: germline.
Comment: This sequence change falls in intron 12 of the RINT1 gene. It does not directly change the encoded amino acid sequence of the RINT1 protein. It affects a nucleotide within the consensus splice site of the intron. This variant is not present in population databases (ExAC no frequency). This variant has not been reported in the literature in individuals affected with RINT1-related conditions. Variants that disrupt the consensus splice site are a relatively common cause of aberrant splicing (PMID: 17576681, 9536098). Algorithms developed to predict the effect of sequence changes on RNA splicing suggest that this variant is not likely to affect RNA splicing. In summary, the available evidence is currently insufficient to determine the role of this variant in disease. Therefore, it has been classified as a Variant of Uncertain Significance.

Literature cited by the submitters: PubMed 17576681; PubMed 9536098.